The following is an entry in ClinVar:

ClinVar aggregate classification (germline): Uncertain significance. Review status: criteria provided, multiple submitters, no conflicts (2 of 4 stars). 2 submissions from 2 submitters: Uncertain significance (2). Last evaluated 2024-06-05.

Conditions:
Familial adenomatous polyposis 3. Also called: NTHL1-Related Adenomatous Polyposis and Colorectal Cancer; NTHL1-associated polyposis; NTHL1 Tumor Syndrome; NTHL1-related attenuated familial adenomatous polyposis. Identifiers: Orphanet 220460, Orphanet 454840, MedGen C4225157, MONDO:0014630, OMIM 616415.

Submissions (2):

Fulgent Genetics
Classification: Uncertain significance for Familial adenomatous polyposis 3. Last evaluated: 2024-06-05. Review status: criteria provided, single submitter. Criteria: ACMG Guidelines, 2015. Collection method: clinical testing. Allele origin: germline.

Labcorp Genetics (formerly Invitae), Labcorp
Classification: Uncertain significance. Last evaluated: 2021-07-24. Review status: criteria provided, single submitter. Criteria: Invitae Variant Classification Sherloc (09022015). Collection method: clinical testing. Allele origin: germline.
Comment: This variant is not present in population databases (ExAC no frequency). This sequence change replaces arginine with lysine at codon 272 of the NTHL1 protein (p.Arg272Lys). The arginine residue is moderately conserved and there is a small physicochemical difference between arginine and lysine. This variant also falls at the last nucleotide of exon 5, which is part of the consensus splice site for this exon. This variant has not been reported in the literature in individuals affected with NTHL1-related conditions. In summary, the available evidence is currently insufficient to determine the role of this variant in disease. Therefore, it has been classified as a Variant of Uncertain Significance. Nucleotide substitutions within the consensus splice site are a relatively common cause of aberrant splicing (PMID: 17576681, 9536098). Algorithms developed to predict the effect of missense changes on protein structure and function are either unavailable or do not agree on the potential impact of this missense change (SIFT: "Not Available"; PolyPhen-2: "Benign"; Align-GVGD: "Not Available").

Literature cited by the submitters: PubMed 17576681 (cited by Labcorp Genetics (formerly Invitae), Labcorp); PubMed 9536098 (cited by Labcorp Genetics (formerly Invitae), Labcorp).

NM_002528.7(NTHL1):c.791G>A (p.Arg264Lys)

Gene: NTHL1 (nth like DNA glycosylase 1; minus strand). Cytogenetic location: 16p13.3.
Variant type: single nucleotide variant.
Coding change: c.791G>A on transcript NM_002528.7 (MANE Select); coding-DNA position 791, G replaced by A.
Protein change: p.Arg264Lys; replaces arginine 264 with lysine.
Molecular consequence: missense variant.
Genome position (GRCh38, 1-based): chr16:2,040,133, C>T on the plus strand (G>A on the coding strand, the complement: NTHL1 is on the minus strand). VCF-style: chr16-2040133-C-T. GRCh37 (hg19) VCF-style: chr16-2090134-C-T.
Other names: c.620G>A, p.Arg207Lys (NM_001318193.2); c.461G>A, p.Arg154Lys (NM_001318194.2); short protein forms R207K, R154K, R264K.
Identifiers: ClinVar variation 1463790 (VCV001463790.7), dbSNP rs2150938174, ClinGen allele CA394288589.
Genomic context (GRCh38, chr16:2,040,133, plus strand): 5'-GCTGACAGAGGGCGGGCGGGGTGAGCTCTTCTCCCTAGGAAGCCCCCCACATACTCATAC[C>T]TAGGCAGCCACTCCTCCAGGGCGGCGCGGGTCTCCTCTGGGGACTTGGTTGCCTTCTTGG-3'
Protein context (NP_002519.2, residues 254-274): TRAALEEWLP[Arg264Lys]ELWHEINGLL